The following is an entry in ClinVar:

NM_016507.4(CDK12):c.1726G>T (p.Val576Phe)

Gene: CDK12 (cyclin dependent kinase 12; plus strand). Cytogenetic location: 17q12.
Variant type: single nucleotide variant.
Coding change: c.1726G>T on transcript NM_016507.4 (MANE Select); coding-DNA position 1726, G replaced by T.
Protein change: p.Val576Phe; replaces valine 576 with phenylalanine.
Molecular consequence: missense variant.
Genome position (GRCh38, 1-based): chr17:39,471,558, G>T. VCF-style: chr17-39471558-G-T. GRCh37 (hg19) VCF-style: chr17-37627811-G-T.
Other names: c.1726G>T, p.Val576Phe (NM_015083.4); short protein forms V576F.
Identifiers: ClinVar variation 4841666 (VCV004841666.1).

ClinVar aggregate classification (germline): Uncertain significance (1 of 4 stars; one submission).

Submission:

Ambry Genetics
Classification: Uncertain significance. Last evaluated: 2025-12-15. Review status: criteria provided, single submitter. Criteria: Ambry Variant Classification Scheme 2023. Collection method: clinical testing. Allele origin: germline.
Comment: The p.V576F variant (also known as c.1726G>T), located in coding exon 2 of the CDK12 gene, results from a G to T substitution at nucleotide position 1726. The valine at codon 576 is replaced by phenylalanine, an amino acid with highly similar properties. This amino acid position is conserved. In addition, this alteration is predicted to be tolerated by in silico analysis. Based on the available evidence, the clinical significance of this variant remains unclear.